The following is an entry in ClinVar:

NM_003235.5(TG):c.4088G>A (p.Gly1363Glu)

Gene: TG (thyroglobulin; plus strand). Cytogenetic location: 8q24.22.
Variant type: single nucleotide variant.
Coding change: c.4088G>A on transcript NM_003235.5 (MANE Select); coding-DNA position 4088, G replaced by A.
Protein change: p.Gly1363Glu; replaces glycine 1363 with glutamic acid.
Molecular consequence: missense variant.
Genome position (GRCh38, 1-based): chr8:132,911,462, G>A. VCF-style: chr8-132911462-G-A. GRCh37 (hg19) VCF-style: chr8-133923707-G-A.
Other names: c.4088G>A (NM_003235.4); short protein forms G1363E.
Identifiers: ClinVar variation 4536894 (VCV004536894.2).

ClinVar aggregate classification (germline): Uncertain significance. Review status: criteria provided, multiple submitters, no conflicts (2 of 4 stars). 2 submissions from 2 submitters: Uncertain significance (2). Last evaluated 2026-09-09.

Conditions:
Inborn genetic diseases. Identifiers: MedGen C0950123, MeSH D030342.

gnomAD v4.1: 9 of 1,614,104 alleles (0.00056%); highest among the groups gnomAD compares: African/African-American, 0.012%; no homozygotes.

Submissions (2):

Ambry Genetics
Classification: Uncertain significance for Inborn genetic diseases. Last evaluated: 2026-09-09. Review status: criteria provided, single submitter. Criteria: Ambry Variant Classification Scheme 2023. Collection method: clinical testing. Allele origin: germline.

Women's Health and Genetics/Laboratory Corporation of America, LabCorp
Classification: Uncertain significance. Last evaluated: 2025-11-10. Review status: criteria provided, single submitter. Criteria: LabCorp Variant Classification Summary - May 2015. Collection method: clinical testing. Allele origin: germline.
Comment: Variant summary: TG c.4088G>A (p.Gly1363Glu) results in a non-conservative amino acid change in the encoded protein sequence. Algorithms developed to predict the effect of missense changes on protein structure and function are either unavailable or do not agree on the potential impact of this missense change. The variant allele was found at a frequency of 8e-06 in 251494 control chromosomes. The available data on variant occurrences in the general population are insufficient to allow any conclusion about variant significance. To our knowledge, no occurrence of c.4088G>A in individuals affected with TG-related conditions and no experimental evidence demonstrating its impact on protein function have been reported. No submitters have cited clinical-significance assessments for this variant to ClinVar. Based on the evidence outlined above, the variant was classified as uncertain significance.